The following is an entry in ClinVar:

ClinVar aggregate classification (germline): Uncertain significance (1 of 4 stars; one submission).

Allele frequency attached by ClinVar (database versions not stated): gnomAD exomes below 0.00001 and 0.00001; gnomAD 0.00005 and 0.00006; TOPMed 0.00007.

Submission:

Labcorp Genetics (formerly Invitae), Labcorp
Classification: Uncertain significance. Last evaluated: 2025-09-23. Review status: criteria provided, single submitter. Criteria: Invitae Variant Classification Sherloc (09022015). Collection method: clinical testing. Allele origin: germline.
Comment: This sequence change affects codon 672 of the COL11A2 mRNA. It is a 'silent' change, meaning that it does not change the encoded amino acid sequence of the COL11A2 protein. This variant also falls at the last nucleotide of exon 24, which is part of the consensus splice site for this exon. This variant is present in population databases (no rsID available, gnomAD 0.009%). This variant has not been reported in the literature in individuals affected with COL11A2-related conditions. ClinVar contains an entry for this variant (Variation ID: 1414119). Variants that disrupt the consensus splice site are a relatively common cause of aberrant splicing (PMID: 17576681, 9536098). Algorithms developed to predict the effect of sequence changes on RNA splicing suggest that this variant is not likely to affect RNA splicing. In summary, the available evidence is currently insufficient to determine the role of this variant in disease. Therefore, it has been classified as a Variant of Uncertain Significance.

Literature cited by the submitters: PubMed 17576681; PubMed 9536098.

NM_080680.3(COL11A2):c.2016G>A (p.Lys672=)

Gene: COL11A2 (collagen type XI alpha 2 chain; minus strand). Cytogenetic location: 6p21.32.
Variant type: single nucleotide variant.
Coding change: c.2016G>A on transcript NM_080680.3 (MANE Select); coding-DNA position 2016, G replaced by A.
Protein change: p.Lys672=; no amino-acid change (lysine 672 retained).
Molecular consequence: synonymous variant.
Genome position (GRCh38, 1-based): chr6:33,177,181, C>T on the plus strand (G>A on the coding strand, the complement: COL11A2 is on the minus strand). VCF-style: chr6-33177181-C-T. GRCh37 (hg19) VCF-style: chr6-33144958-C-T.
Other names: c.1695G>A, p.Lys565= (NM_080679.3); c.1758G>A, p.Lys586= (NM_080681.3).
Identifiers: ClinVar variation 1414119 (VCV001414119.6), dbSNP rs890593189, ClinGen allele CA137072236.